The following is an entry in ClinVar:

NM_001035.3(RYR2):c.2627C>A (p.Pro876His)

Gene: RYR2 (ryanodine receptor 2; plus strand). Cytogenetic location: 1q43.
Variant type: single nucleotide variant.
Coding change: c.2627C>A on transcript NM_001035.3 (MANE Select); coding-DNA position 2627, C replaced by A.
Protein change: p.Pro876His; replaces proline 876 with histidine.
Molecular consequence: missense variant.
Genome position (GRCh38, 1-based): chr1:237,506,723, C>A. VCF-style: chr1-237506723-C-A. GRCh37 (hg19) VCF-style: chr1-237670023-C-A.
Other names: short protein forms P876H.
Identifiers: ClinVar variation 3069683 (VCV003069683.1), dbSNP rs746619519, ClinGen allele CA345380961.

ClinVar aggregate classification (germline): Uncertain significance (1 of 4 stars; one submission).

Conditions:
Catecholaminergic polymorphic ventricular tachycardia (CVPT). Also called: Catecholamine-induced polymorphic ventricular tachycardia. Identifiers: Orphanet 3286, MedGen C5574922, MONDO:0017990.

Submission:

All of Us Research Program, National Institutes of Health
Classification: Uncertain significance for Catecholaminergic polymorphic ventricular tachycardia. Last evaluated: 2023-02-24. Review status: criteria provided, single submitter. Criteria: ACMG Guidelines, 2015. Collection method: clinical testing. Allele origin: germline. Inheritance: Autosomal dominant inheritance. Observed: 1 variant allele, 1 heterozygote.
Comment: This missense variant replaces proline with histidine at codon 876 of the RYR2 protein. Computational prediction is inconclusive regarding the impact of this variant on protein structure and function (internally defined REVEL score threshold 0.5 < inconclusive < 0.7, PMID: 27666373). To our knowledge, functional studies have not been reported for this variant. This variant has not been reported in individuals affected with RYR2-related disorders in the literature. This variant has not been identified in the general population by the Genome Aggregation Database (gnomAD). The available evidence is insufficient to determine the role of this variant in disease conclusively. Therefore, this variant is classified as a Variant of Uncertain Significance.

This study involves interpretation of variants in research participants for the purpose of population health screening. Participant phenotype was not available at the time of variant classification. Additional details can be found in publication PMID: 35346344, PMCID: PMC8962531